The following is an entry in ClinVar:

ClinVar aggregate classification (germline): Likely benign. Review status: criteria provided, multiple submitters, no conflicts (2 of 4 stars). 2 submissions from 2 submitters: Likely benign (2). Last evaluated 2026-01-18.

Conditions:
Kabuki syndrome. Also called: Kabuki make-up syndrome; NIIKAWA-KUROKI SYNDROME. Identifiers: Orphanet 2322, MedGen C0796004, MONDO:0016512.

Allele frequency attached by ClinVar (database versions not stated): gnomAD 0.00002 and 0.00003; gnomAD exomes 0.00005 and 0.00007; TOPMed 0.00006; ExAC 0.00010.
gnomAD v4.1: 87 of 1,542,874 alleles (0.0056%); highest among the groups gnomAD compares: Non-Finnish European, 0.0013%; no homozygotes.

Submissions (2):

Labcorp Genetics (formerly Invitae), Labcorp
Classification: Likely benign for Kabuki syndrome. Last evaluated: 2026-01-18. Review status: criteria provided, single submitter. Criteria: Invitae Variant Classification Sherloc (09022015). Collection method: clinical testing. Allele origin: germline.

CeGaT Center for Human Genetics Tuebingen
Classification: Likely benign. Last evaluated: 2023-07-01. Review status: criteria provided, single submitter. Criteria: CeGaT Center For Human Genetics Tuebingen Variant Classification Criteria Version 2. Collection method: clinical testing. Allele origin: germline. Affected: yes. Observed: 1 variant allele.
Comment: KMT2D: BP4, BP7

NM_003482.4(KMT2D):c.10794G>A (p.Lys3598=)

Gene: KMT2D (lysine methyltransferase 2D; minus strand). Cytogenetic location: 12q13.12.
Variant type: single nucleotide variant.
Coding change: c.10794G>A on transcript NM_003482.4 (MANE Select); coding-DNA position 10794, G replaced by A.
Protein change: p.Lys3598=; no amino-acid change (lysine 3598 retained).
Molecular consequence: synonymous variant.
Genome position (GRCh38, 1-based): chr12:49,033,911, C>T on the plus strand (G>A on the coding strand, the complement: KMT2D is on the minus strand). VCF-style: chr12-49033911-C-T. GRCh37 (hg19) VCF-style: chr12-49427694-C-T.
Identifiers: ClinVar variation 1548193 (VCV001548193.31), dbSNP rs775333379, ClinGen allele CA6546433.